The following is an entry in ClinVar:

NM_001085049.3(MRAS):c.410C>A (p.Thr137Asn)

Gene: MRAS (muscle RAS oncogene homolog; plus strand). Cytogenetic location: 3q22.3.
Variant type: single nucleotide variant.
Coding change: c.410C>A on transcript NM_001085049.3 (MANE Select); coding-DNA position 410, C replaced by A.
Protein change: p.Thr137Asn; replaces threonine 137 with asparagine.
Molecular consequence: missense variant.
Genome position (GRCh38, 1-based): chr3:138,398,531, C>A. VCF-style: chr3-138398531-C-A. GRCh37 (hg19) VCF-style: chr3-138117373-C-A.
Other names: c.410C>A, p.Thr137Asn (NM_001252090.2, NM_012219.4); c.182C>A, p.Thr61Asn (NM_001252091.1, NM_001252092.2, NM_001252093.2); short protein forms T137N, T61N.
Identifiers: ClinVar variation 1473700 (VCV001473700.8), dbSNP rs1228732016, ClinGen allele CA354674708.

ClinVar aggregate classification (germline): Uncertain significance (1 of 4 stars; one submission).

Allele frequency attached by ClinVar (database versions not stated): gnomAD exomes below 0.00001 and 0.00001.
gnomAD v4.1: 3 of 1,614,088 alleles (0.00019%); highest among the groups gnomAD compares: Middle Eastern, 0.016%; no homozygotes.

Submission:

Labcorp Genetics (formerly Invitae), Labcorp
Classification: Uncertain significance. Last evaluated: 2021-03-28. Review status: criteria provided, single submitter. Criteria: Invitae Variant Classification Sherloc (09022015). Collection method: clinical testing. Allele origin: germline.
Comment: This variant has not been reported in the literature in individuals with MRAS-related conditions. This variant is not present in population databases (ExAC no frequency). This sequence change replaces threonine with asparagine at codon 137 of the MRAS protein (p.Thr137Asn). The threonine residue is highly conserved and there is a small physicochemical difference between threonine and asparagine. Algorithms developed to predict the effect of missense changes on protein structure and function (SIFT, PolyPhen-2, Align-GVGD) all suggest that this variant is likely to be tolerated, but these predictions have not been confirmed by published functional studies and their clinical significance is uncertain. In summary, the available evidence is currently insufficient to determine the role of this variant in disease. Therefore, it has been classified as a Variant of Uncertain Significance.